The following is an entry in ClinVar:

ClinVar aggregate classification (germline): Conflicting classifications of pathogenicity. Review status: criteria provided, conflicting classifications (1 of 4 stars). 3 submissions from 3 submitters: Likely pathogenic (2); Uncertain significance (1). Last evaluated 2025-09-01.

Conditions:
Hypertrophic cardiomyopathy 9. Also called: Familial hypertrophic cardiomyopathy 9. Identifiers: MedGen C1861065, MONDO:0013412, OMIM 613765.
Myopathy, myofibrillar, 9, with early respiratory failure (MFM9). Also called: MYOPATHY, PROXIMAL, WITH EARLY RESPIRATORY MUSCLE INVOLVEMENT; Hereditary myopathy with early respiratory failure; EDSTROM MYOPATHY; Myopathy, distal, with early respiratory failure, autosomal dominant. Identifiers: Orphanet 178464, Orphanet 34521, MedGen C1863599, MONDO:0011362, OMIM 603689.
Dilated cardiomyopathy 1G (CMD1G). Identifiers: Orphanet 154, MedGen C1858763, MONDO:0011400, OMIM 604145.
Early-onset myopathy with fatal cardiomyopathy (CMYO5). Also called: Salih Myopathy; CONGENITAL MYOPATHY 5 WITH CARDIOMYOPATHY. Identifiers: Orphanet 289377, MedGen C2673677, MONDO:0012714, OMIM 611705. Disease mechanism: loss of function.
Tibial muscular dystrophy (TMD). Also called: Tibial muscular dystrophy, tardive; Udd Distal Myopathy – Tibial Muscular Dystrophy; UDD MYOPATHY. Identifiers: Orphanet 609, MedGen C1838244, MONDO:0010870, OMIM 600334.
Autosomal recessive limb-girdle muscular dystrophy type 2J (LGMDR10). Also called: Limb-girdle muscular dystrophy, type 2J; MUSCULAR DYSTROPHY, LIMB-GIRDLE, AUTOSOMAL RECESSIVE 10. Identifiers: Orphanet 140922, MedGen C1837342, MONDO:0012127, OMIM 608807.
TTN-related disorder. Also called: TTN-related disorders; TTN-related condition; TTN-related disease.

Allele frequency attached by ClinVar (database versions not stated): gnomAD 0.00001.
gnomAD v4.1: 2 of 1,587,038 alleles (0.00013%); highest among the groups gnomAD compares: African/African-American, 0.0027%; no homozygotes.

Submissions (3):

PreventionGenetics, part of Exact Sciences
Classification: Likely pathogenic for TTN-related condition. Last evaluated: 2025-09-01. Review status: criteria provided, single submitter. Criteria: ACMG Guidelines, 2015. Collection method: clinical testing. Allele origin: germline.
Comment: The TTN c.34786+1G>T variant is predicted to disrupt the GT donor site and interfere with normal splicing. To our knowledge, this variant has not been reported in the literature or in a large population database (gnomAD), indicating this variant is rare. This variant affects the canonical splice donor site of an exon which is located in the I-band region of the TTN protein. RNAseq studies from heart tissue indicate this exon is not commonly included in TTN mRNA transcripts (PSI of 48%-75%, Roberts et al. 2015. PubMed ID: 25589632). TTN loss-of-function variants occurring in non-constitutively expressed exons (PSI < 90%) are less likely to be disease causing for TTN cardiac-related disorders (Roberts et al. 2015. PubMed ID: 25589632; Schafer et al. 2017. PubMed ID: 27869827; Akhtar et al. 2020. PubMed ID: 32964742). Many cases of recessive TTN-related myopathies in which the individual is compound heterozygous for two loss-of-function variants in TTN have also been reported (Oates et al. 2018. PubMed ID: 29691892; Ge et al. 2019. PubMed ID: 31053406; Rees et al. 2021. PubMed ID: 33449170). In summary, this variant is likely pathogenic for autosomal recessive TTN-related congenital titinopathies. However, it is uncertain if this variant would be causative for autosomal dominant TTN-related disorders.

Labcorp Genetics (formerly Invitae), Labcorp
Classification: Likely pathogenic for Dilated cardiomyopathy 1G; Autosomal recessive limb-girdle muscular dystrophy type 2J. Last evaluated: 2024-05-06. Review status: criteria provided, single submitter. Criteria: Invitae Variant Classification Sherloc (09022015). Collection method: clinical testing. Allele origin: germline.
Comment: This sequence change affects a donor splice site in intron 152 of the TTN gene. It is expected to disrupt RNA splicing and likely results in a truncated or disrupted TTN protein. This variant is not present in population databases (gnomAD no frequency). This variant has not been observed in the literature in individuals with autosomal recessive TTN-related conditions. This variant has been reported in individual(s) with autosomal dominant dilated cardiomyopathy (Invitae); however, the role of the variant in this condition is currently unclear. ClinVar contains an entry for this variant (Variation ID: 1063186). Algorithms developed to predict the effect of sequence changes on RNA splicing suggest that this variant may disrupt the consensus splice site. This variant is located in the I band of TTN (PMID: 25589632). Truncating variants in this region have been reported in individuals affected with autosomal recessive centronuclear myopathy (PMID: 23975875, Invitae internal data). Truncating variants in this region have also been identified in individuals affected with autosomal dominant dilated cardiomyopathy and/or cardio-related conditions (PMID: 27869827, 32964742, Invitae internal data). In summary, the currently available evidence indicates that the variant is pathogenic, but additional data are needed to prove that conclusively. Therefore, this variant has been classified as Likely Pathogenic.

Fulgent Genetics
Classification: Uncertain significance for Tibial muscular dystrophy; Myopathy, myofibrillar, 9, with early respiratory failure; Dilated cardiomyopathy 1G; Autosomal recessive limb-girdle muscular dystrophy type 2J; Early-onset myopathy with fatal cardiomyopathy; Hypertrophic cardiomyopathy 9. Last evaluated: 2021-10-12. Review status: criteria provided, single submitter. Criteria: ACMG Guidelines, 2015. Collection method: clinical testing. Allele origin: unknown.

Literature cited by the submitters: PubMed 25589632 (cited by Labcorp Genetics (formerly Invitae), Labcorp); PubMed 23975875 (cited by Labcorp Genetics (formerly Invitae), Labcorp); PubMed 27869827 (cited by Labcorp Genetics (formerly Invitae), Labcorp); PubMed 32964742 (cited by Labcorp Genetics (formerly Invitae), Labcorp).

NM_001267550.2(TTN):c.34786+1G>T

Gene: TTN (titin; minus strand). Cytogenetic location: 2q31.2.
Variant type: single nucleotide variant.
Coding change: c.34786+1G>T on transcript NM_001267550.2 (MANE Select); the canonical splice donor site of the intron after coding-DNA position 34786, G replaced by T.
Molecular consequence: splice donor variant. On other transcripts: intron variant (3).
Genome position (GRCh38, 1-based): chr2:178,673,632, C>A on the plus strand (G>T on the coding strand, the complement: TTN is on the minus strand). VCF-style: chr2-178673632-C-A. GRCh37 (hg19) VCF-style: chr2-179538359-C-A.
Other names: c.13283-31315G>T (NM_003319.4); c.13859-31315G>T (NM_133437.4); c.13658-31315G>T (NM_133432.3); c.30883+1G>T (NM_133378.4); c.33664+1G>T (NM_001256850.1).
Identifiers: ClinVar variation 1063186 (VCV001063186.11), dbSNP rs879010418, ClinGen allele CA60979323.